The following is an entry in ClinVar:

NM_000051.4(ATM):c.8622_8624delinsTT (p.Gln2874fs)

Genes: ATM (ATM serine/threonine kinase; plus strand), C11orf65 (chromosome 11 open reading frame 65; minus strand). Cytogenetic location: 11q22.3.
Variant type: Indel.
Coding change: c.8622_8624delinsTT on transcript NM_000051.4 (MANE Select); coding-DNA positions 8622 to 8624, GAA replaced by TT.
Protein change: p.Gln2874fs; shifts the reading frame from glutamine 2874.
Molecular consequence: frameshift variant. On other transcripts: intron variant (2).
Genome position (GRCh38, 1-based): chr11:108,347,316-108,347,318, GAA replaced by TT. VCF-style: chr11-108347316-GAA-TT. GRCh37 (hg19) VCF-style: chr11-108218043-GAA-TT.
Other names: c.641-38247_641-38245delinsAA (NM_001330368.2); c.695-12026_695-12024delinsAA (NM_001351110.2); c.8622_8624delGAAinsTT, p.Gln2874Hisfs (NM_000051.3); c.8622_8624delinsTT, p.Gln2874fs (NM_001351834.2); short protein forms Q2874fs.
Identifiers: ClinVar variation 3148528 (VCV003148528.1), dbSNP rs2547461386, ClinGen allele CA2825001984.
Genomic context (GRCh38, chr11:108,347,316, plus strand): 5'-TTGTTTGTTTCTTTTTTCTCCAGTTGGTTACATACTTGGACTTGGTGATAGACATGTACA[GAA>TT]TATCTTGATAAATGAGCAGTCAGCAGAACTTGTACATATAGATCTAGGTAAGTAATAAAA-3'

ClinVar aggregate classification (germline): Pathogenic/Likely pathogenic. Review status: criteria provided, multiple submitters, no conflicts (2 of 4 stars). 3 submissions from 3 submitters: Pathogenic (2); Likely pathogenic (1). Last evaluated 2025-06-04.

Conditions:
Ataxia-telangiectasia syndrome (AT). Also called: AT, COMPLEMENTATION GROUP C; Ataxia-telangiectasia, complementation group D; ATAXIA-TELANGIECTASIA, COMPLEMENTATION GROUP A; ATAXIA-TELANGIECTASIA, FRESNO VARIANT; Ataxia-telangiectasia; Ataxia-telangiectasia, complementation group E. Identifiers: Orphanet 100, MedGen C0004135, MONDO:0008840, OMIM 208900.
Familial cancer of breast. Also called: hereditary breast carcinoma; BREAST CANCER, FAMILIAL; Hereditary breast cancer. Identifiers: Orphanet 227535, MedGen C0346153, MONDO:0016419, OMIM 114480. Disease mechanism: loss of function.

Submissions (3):

Variantyx, Inc.
Classification: Pathogenic for Ataxia-telangiectasia syndrome. Last evaluated: 2025-06-04. Review status: criteria provided, single submitter. Criteria: Variantyx Assertion Criteria 2022. Collection method: clinical testing. Allele origin: germline. Inheritance: Autosomal recessive inheritance. Affected: no.
Comment: This is a frameshift variant in the ATM gene (OMIM: 607585). Pathogenic variants in this gene have been associated with autosomal recessive ataxia-telangiectasia. This variant introduces a premature termination codon in exon 59 out of 63 and is expected to result in loss of function, which is a known disease mechanism for ATM in this disorder (PMID: 23807571, 25614872) (PVS1). This variant is absent from control populations (PM2). Based on the current evidence, this variant is classified as pathogenic for autosomal recessive ataxia-telangiectasia.

Natera, Inc.
Classification: Likely pathogenic for Ataxia-telangiectasia. Last evaluated: 2024-11-28. Review status: criteria provided, single submitter. Criteria: Natera Variant Classification Schema (03/2026). Collection method: clinical testing. Allele origin: germline.
Comment: The c.8622_8624delinsTT variant in ATM is a frameshift variant predicted to shift the reading frame beginning at codon 2874 and leads to a stop codon 4 codons downstream. This variant is expected to result in nonsense mediated decay, truncation, or a dysfunctional protein product. This variant is rare in the general population with a frequency below the threshold expected for the associated phenotype(s). Given the available evidence, this variant is classified as Likely Pathogenic.

Myriad Genetics, Inc.
Classification: Pathogenic for Familial cancer of breast. Last evaluated: 2024-02-02. Review status: criteria provided, single submitter. Criteria: Myriad Autosomal Dominant, Autosomal Recessive and X-Linked Classification Criteria (2023). Collection method: clinical testing. Allele origin: unknown.
Comment: This variant is considered pathogenic. This variant creates a frameshift predicted to result in premature protein truncation.

Literature cited by the submitters: PubMed 23807571 (cited by Variantyx, Inc.); PubMed 25614872 (cited by Variantyx, Inc.).